The following is an entry in ClinVar:

NM_001352514.2(HLCS):c.2581T>G (p.Phe861Val)

Gene: HLCS (holocarboxylase synthetase; minus strand). Cytogenetic location: 21q22.13.
Variant type: single nucleotide variant.
Coding change: c.2581T>G on transcript NM_001352514.2 (MANE Select); coding-DNA position 2581, T replaced by G.
Protein change: p.Phe861Val; replaces phenylalanine 861 with valine.
Molecular consequence: missense variant. On other transcripts: non-coding transcript variant (2).
Genome position (GRCh38, 1-based): chr21:36,754,287, A>C on the plus strand (T>G on the coding strand, the complement: HLCS is on the minus strand). VCF-style: chr21-36754287-A-C. GRCh37 (hg19) VCF-style: chr21-38126588-A-C.
Other names: c.2140T>G, p.Phe714Val (NM_000411.8, NM_001242784.3, NM_001242785.2 and 4 more transcripts); short protein forms F861V, F714V.
Identifiers: ClinVar variation 2131713 (VCV002131713.4), dbSNP rs2516829016, ClinGen allele CA409917957.

ClinVar aggregate classification (germline): Uncertain significance (1 of 4 stars; one submission).

Conditions:
Holocarboxylase synthetase deficiency. Also called: MULTIPLE CARBOXYLASE DEFICIENCY, EARLY ONSET. Identifiers: Orphanet 79242, MedGen C0268581, MONDO:0009666, OMIM 253270.

Submission:

Labcorp Genetics (formerly Invitae), Labcorp
Classification: Uncertain significance for Holocarboxylase synthetase deficiency. Last evaluated: 2022-04-29. Review status: criteria provided, single submitter. Criteria: Invitae Variant Classification Sherloc (09022015). Collection method: clinical testing. Allele origin: germline.
Comment: In summary, the available evidence is currently insufficient to determine the role of this variant in disease. Therefore, it has been classified as a Variant of Uncertain Significance. Advanced modeling of protein sequence and biophysical properties (such as structural, functional, and spatial information, amino acid conservation, physicochemical variation, residue mobility, and thermodynamic stability) performed at Invitae indicates that this missense variant is expected to disrupt HLCS protein function. This variant has not been reported in the literature in individuals affected with HLCS-related conditions. This variant is not present in population databases (gnomAD no frequency). This sequence change replaces phenylalanine, which is neutral and non-polar, with valine, which is neutral and non-polar, at codon 714 of the HLCS protein (p.Phe714Val).